The following is an entry in ClinVar:

ClinVar aggregate classification (germline): Uncertain significance. Review status: criteria provided, multiple submitters, no conflicts (2 of 4 stars). 2 submissions from 2 submitters: Uncertain significance (2). Last evaluated 2026-04-01.

Conditions:
Inborn genetic diseases. Identifiers: MedGen C0950123, MeSH D030342.

Allele frequency attached by ClinVar (database versions not stated): ESP Exome Variant Server 0.00015.
gnomAD v4.1: 31 of 1,613,016 alleles (0.0019%); highest among the groups gnomAD compares: Admixed American, 0.01%; no homozygotes.

Submissions (2):

Ambry Genetics
Classification: Uncertain significance for Inborn genetic diseases. Last evaluated: 2026-04-01. Review status: criteria provided, single submitter. Criteria: Ambry Variant Classification Scheme 2023. Collection method: clinical testing. Allele origin: germline.
Comment: The c.361C>T (p.R121W) alteration is located in exon 3 (coding exon 3) of the AGPAT2 gene. This alteration results from a C to T substitution at nucleotide position 361, causing the arginine (R) at amino acid position 121 to be replaced by a tryptophan (W). Based on data from gnomAD, the T allele has an overall frequency of 0.004% (10/279862) total alleles studied. The highest observed frequency was 0.016% (4/24874) of African alleles. Based on insufficient or conflicting evidence, the clinical significance of this alteration remains unclear.

Labcorp Genetics (formerly Invitae), Labcorp
Classification: Uncertain significance. Last evaluated: 2022-08-08. Review status: criteria provided, single submitter. Criteria: Invitae Variant Classification Sherloc (09022015). Collection method: clinical testing. Allele origin: germline.
Comment: Algorithms developed to predict the effect of sequence changes on RNA splicing suggest that this variant may create or strengthen a splice site. Algorithms developed to predict the effect of missense changes on protein structure and function are either unavailable or do not agree on the potential impact of this missense change (SIFT: "Deleterious"; PolyPhen-2: "Benign"; Align-GVGD: "Class C0"). This variant has not been reported in the literature in individuals affected with AGPAT2-related conditions. This variant is present in population databases (rs369878933, gnomAD 0.02%). This sequence change replaces arginine, which is basic and polar, with tryptophan, which is neutral and slightly polar, at codon 121 of the AGPAT2 protein (p.Arg121Trp). In summary, the available evidence is currently insufficient to determine the role of this variant in disease. Therefore, it has been classified as a Variant of Uncertain Significance.

NM_006412.4(AGPAT2):c.361C>T (p.Arg121Trp)

Gene: AGPAT2 (1-acylglycerol-3-phosphate O-acyltransferase 2; minus strand). Cytogenetic location: 9q34.3.
Variant type: single nucleotide variant.
Coding change: c.361C>T on transcript NM_006412.4 (MANE Select); coding-DNA position 361, C replaced by T.
Protein change: p.Arg121Trp; replaces arginine 121 with tryptophan.
Molecular consequence: missense variant.
Genome position (GRCh38, 1-based): chr9:136,677,092, G>A on the plus strand (C>T on the coding strand, the complement: AGPAT2 is on the minus strand). VCF-style: chr9-136677092-G-A. GRCh37 (hg19) VCF-style: chr9-139571544-G-A.
Other names: c.361C>T, p.Arg121Trp (NM_001012727.2); c.361C>T (NM_006412.3); short protein forms R121W.
Identifiers: ClinVar variation 2168478 (VCV002168478.5), dbSNP rs369878933, ClinGen allele CA5343035.